The following is an entry in ClinVar:

ClinVar aggregate classification (germline): Uncertain significance (1 of 4 stars; one submission).

Conditions:
FBN1-related disorder. Also called: FBN1-related disorders.

Submission:

PreventionGenetics, part of Exact Sciences
Classification: Uncertain significance for FBN1-related condition. Last evaluated: 2022-10-11. Review status: criteria provided, single submitter. Criteria: ACMG Guidelines, 2015. Collection method: clinical testing. Allele origin: germline.
Comment: The FBN1 c.5544T>G variant is predicted to result in the amino acid substitution p.Asn1848Lys. To our knowledge, this variant has not been reported in the literature or in a large population database, indicating this variant is rare. At this time, the clinical significance of this variant is uncertain due to the absence of conclusive functional and genetic evidence.

NM_000138.5(FBN1):c.5544T>G (p.Asn1848Lys)

Gene: FBN1 (fibrillin 1; minus strand). Cytogenetic location: 15q21.1.
Variant type: single nucleotide variant.
Coding change: c.5544T>G on transcript NM_000138.5 (MANE Select); coding-DNA position 5544, T replaced by G.
Protein change: p.Asn1848Lys; replaces asparagine 1848 with lysine.
Molecular consequence: missense variant.
Genome position (GRCh38, 1-based): chr15:48,452,563, A>C on the plus strand (T>G on the coding strand, the complement: FBN1 is on the minus strand). VCF-style: chr15-48452563-A-C. GRCh37 (hg19) VCF-style: chr15-48744760-A-C.
Other names: c.5544T>G, p.Asn1848Lys (NM_001406716.1); short protein forms N1848K.
Identifiers: ClinVar variation 2637410 (VCV002637410.1), dbSNP rs2505470382, ClinGen allele CA392343854.